The following is an entry in ClinVar:

ClinVar aggregate classification (germline): Uncertain significance (1 of 4 stars; one submission).

Allele frequency attached by ClinVar (database versions not stated): gnomAD exomes below 0.00001; gnomAD 0.00001; TOPMed 0.00002.
gnomAD v4.1: 3 of 1,612,872 alleles (0.00019%); highest among the groups gnomAD compares: East Asian, 0.0022%; no homozygotes.

Submission:

Ambry Genetics
Classification: Uncertain significance. Last evaluated: 2024-11-02. Review status: criteria provided, single submitter. Criteria: Ambry Variant Classification Scheme 2023. Collection method: clinical testing. Allele origin: germline.
Comment: The p.E1511K variant (also known as c.4531G>A), located in coding exon 16 of the POLQ gene, results from a G to A substitution at nucleotide position 4531. The glutamic acid at codon 1511 is replaced by lysine, an amino acid with similar properties. This amino acid position is conserved. In addition, this alteration is predicted to be tolerated by in silico analysis. Since supporting evidence is limited at this time, the clinical significance of this alteration remains unclear.

NM_199420.4(POLQ):c.4531G>A (p.Glu1511Lys)

Gene: POLQ (DNA polymerase theta; minus strand). Cytogenetic location: 3q13.33.
Variant type: single nucleotide variant.
Coding change: c.4531G>A on transcript NM_199420.4 (MANE Select); coding-DNA position 4531, G replaced by A.
Protein change: p.Glu1511Lys; replaces glutamic acid 1511 with lysine.
Molecular consequence: missense variant.
Genome position (GRCh38, 1-based): chr3:121,488,400, C>T on the plus strand (G>A on the coding strand, the complement: POLQ is on the minus strand). VCF-style: chr3-121488400-C-T. GRCh37 (hg19) VCF-style: chr3-121207247-C-T.
Other names: short protein forms E1511K.
Identifiers: ClinVar variation 1741285 (VCV001741285.3), dbSNP rs1340952234, ClinGen allele CA354094813.